The following is an entry in ClinVar:

ClinVar aggregate classification (germline): Uncertain significance (1 of 4 stars; one submission).

Conditions:
Familial adenomatous polyposis 1 (FAP1). Also called: FAMILIAL ADENOMATOUS POLYPOSIS 1, ATTENUATED; POLYPOSIS, ADENOMATOUS INTESTINAL. Identifiers: MedGen C2713442, MONDO:0021056, OMIM 175100. Disease mechanism: loss of function.

Allele frequency attached by ClinVar (database versions not stated): gnomAD exomes below 0.00001; ExAC 0.00001.
gnomAD v4.1: 1 of 1,613,934 alleles (0.000062%); highest among the groups gnomAD compares: East Asian, 0.0022%; no homozygotes.

Submission:

Labcorp Genetics (formerly Invitae), Labcorp
Classification: Uncertain significance for Familial adenomatous polyposis 1. Last evaluated: 2025-02-10. Review status: criteria provided, single submitter. Criteria: Invitae Variant Classification Sherloc (09022015). Collection method: clinical testing. Allele origin: germline.
Comment: This sequence change replaces glutamine, which is neutral and polar, with proline, which is neutral and non-polar, at codon 2478 of the APC protein (p.Gln2478Pro). This variant is present in population databases (rs745307814, gnomAD 0.006%). This variant has not been reported in the literature in individuals affected with APC-related conditions. ClinVar contains an entry for this variant (Variation ID: 411426). Invitae Evidence Modeling of protein sequence and biophysical properties (such as structural, functional, and spatial information, amino acid conservation, physicochemical variation, residue mobility, and thermodynamic stability) indicates that this missense variant is not expected to disrupt APC protein function with a negative predictive value of 95%. In summary, the available evidence is currently insufficient to determine the role of this variant in disease. Therefore, it has been classified as a Variant of Uncertain Significance.

NM_000038.6(APC):c.7433A>C (p.Gln2478Pro)

Gene: APC (APC regulator of Wnt signaling pathway; plus strand). Cytogenetic location: 5q22.2.
Variant type: single nucleotide variant.
Coding change: c.7433A>C on transcript NM_000038.6 (MANE Select); coding-DNA position 7433, A replaced by C.
Protein change: p.Gln2478Pro; replaces glutamine 2478 with proline.
Molecular consequence: missense variant.
Genome position (GRCh38, 1-based): chr5:112,843,027, A>C. VCF-style: chr5-112843027-A-C. GRCh37 (hg19) VCF-style: chr5-112178724-A-C.
Other names: c.7433A>C, p.Gln2478Pro (NM_001127510.3, NM_001354895.2); c.7379A>C, p.Gln2460Pro (NM_001127511.3); c.7487A>C, p.Gln2496Pro (NM_001354896.2); c.7463A>C, p.Gln2488Pro (NM_001354897.2); c.7358A>C, p.Gln2453Pro (NM_001354898.2); c.7349A>C, p.Gln2450Pro (NM_001354899.2); c.7310A>C, p.Gln2437Pro (NM_001354900.2); c.7256A>C, p.Gln2419Pro (NM_001354901.2); and 5 more; short protein forms Q2460P, Q2478P, Q2352P, Q2419P, Q2450P, Q2453P, Q2496P, Q2318P.
Identifiers: ClinVar variation 411426 (VCV000411426.10), dbSNP rs745307814, ClinGen allele CA048031.